The following is an entry in ClinVar:

ClinVar aggregate classification (germline): Uncertain significance. Review status: criteria provided, multiple submitters, no conflicts (2 of 4 stars). 3 submissions from 3 submitters: Uncertain significance (3). Last evaluated 2025-10-21.

Conditions:
Ataxia-telangiectasia syndrome (AT). Also called: LOUIS-BAR SYNDROME; Cerebello-oculocutaneous telangiectasia; Immunodeficiency with ataxia telangiectasia; Ataxia-telangiectasia, complementation group D; AT, COMPLEMENTATION GROUP C; ATAXIA-TELANGIECTASIA, COMPLEMENTATION GROUP A. Identifiers: Orphanet 100, MedGen C0004135, MONDO:0008840, OMIM 208900.
Hereditary cancer-predisposing syndrome. Also called: Neoplastic Syndromes, Hereditary; Tumor predisposition; Hereditary Cancer Syndrome; Hereditary neoplastic syndrome. Identifiers: Orphanet 140162, MedGen C0027672, MeSH D009386, MONDO:0015356.

Submissions (3):

Ambry Genetics
Classification: Uncertain significance for Hereditary cancer-predisposing syndrome. Last evaluated: 2025-10-21. Review status: criteria provided, single submitter. Criteria: Ambry Variant Classification Scheme 2023. Collection method: clinical testing. Allele origin: germline.
Comment: The p.Y1252C variant (also known as c.3755A>G), located in coding exon 25 of the ATM gene, results from an A to G substitution at nucleotide position 3755. The tyrosine at codon 1252 is replaced by cysteine, an amino acid with highly dissimilar properties. This amino acid position is highly conserved in available vertebrate species. In addition, this alteration is predicted to be deleterious by in silico analysis. Based on the available evidence, the clinical significance of this variant remains unclear.

Labcorp Genetics (formerly Invitae), Labcorp
Classification: Uncertain significance for Ataxia-telangiectasia syndrome. Last evaluated: 2024-07-25. Review status: criteria provided, single submitter. Criteria: Invitae Variant Classification Sherloc (09022015). Collection method: clinical testing. Allele origin: germline.
Comment: This sequence change replaces tyrosine, which is neutral and polar, with cysteine, which is neutral and slightly polar, at codon 1252 of the ATM protein (p.Tyr1252Cys). This variant is not present in population databases (gnomAD no frequency). This variant has not been reported in the literature in individuals affected with ATM-related conditions. ClinVar contains an entry for this variant (Variation ID: 2642358). An algorithm developed to predict the effect of missense changes on protein structure and function (PolyPhen-2) suggests that this variant is likely to be disruptive. In summary, the available evidence is currently insufficient to determine the role of this variant in disease. Therefore, it has been classified as a Variant of Uncertain Significance.

CeGaT Center for Human Genetics Tuebingen
Classification: Uncertain significance. Last evaluated: 2023-09-01. Review status: criteria provided, single submitter. Criteria: CeGaT Center For Human Genetics Tuebingen Variant Classification Criteria Version 2. Collection method: clinical testing. Allele origin: germline. Affected: yes. Observed: 1 variant allele.
Comment: ATM: PM2

NM_000051.4(ATM):c.3755A>G (p.Tyr1252Cys)

Gene: ATM (ATM serine/threonine kinase; plus strand). Cytogenetic location: 11q22.3.
Variant type: single nucleotide variant.
Coding change: c.3755A>G on transcript NM_000051.4 (MANE Select); coding-DNA position 3755, A replaced by G.
Protein change: p.Tyr1252Cys; replaces tyrosine 1252 with cysteine.
Molecular consequence: missense variant.
Genome position (GRCh38, 1-based): chr11:108,284,235, A>G. VCF-style: chr11-108284235-A-G. GRCh37 (hg19) VCF-style: chr11-108154962-A-G.
Other names: c.3755A>G, p.Tyr1252Cys (NM_001351834.2); short protein forms Y1252C.
Identifiers: ClinVar variation 2642358 (VCV002642358.27), dbSNP rs2135704378, ClinGen allele CA382524253.